The following is an entry in ClinVar:

NM_001001412.4(CALHM1):c.461G>A (p.Arg154His)

Gene: CALHM1 (calcium homeostasis modulator 1; minus strand). Cytogenetic location: 10q24.33.
Variant type: single nucleotide variant.
Coding change: c.461G>A on transcript NM_001001412.4 (MANE Select); coding-DNA position 461, G replaced by A.
Protein change: p.Arg154His; replaces arginine 154 with histidine.
Molecular consequence: missense variant.
Genome position (GRCh38, 1-based): chr10:103,458,291, C>T on the plus strand (G>A on the coding strand, the complement: CALHM1 is on the minus strand). VCF-style: chr10-103458291-C-T. GRCh37 (hg19) VCF-style: chr10-105218048-C-T.
Other names: short protein forms R154H.
Identifiers: ClinVar variation 381737 (VCV000381737.2), dbSNP rs371900329, ClinGen allele CA5674685.

ClinVar aggregate classification (germline): Likely pathogenic (1 of 4 stars; one submission).

Allele frequency attached by ClinVar (database versions not stated): TOPMed 0.00003; ExAC 0.00004; gnomAD 0.00004 and 0.00005; gnomAD exomes 0.00005 and 0.00008; ESP Exome Variant Server 0.00008; 1000 Genomes Project 30x 0.00016; 1000 Genomes Project 0.00020.

Submission:

GeneDx
Classification: Likely pathogenic. Last evaluated: 2016-09-27. Review status: criteria provided, single submitter. Criteria: GeneDx Variant Classification (06012015). Collection method: clinical testing. Allele origin: germline. Affected: yes.
Comment: The R154H variant was not observed with any significant frequency in approximately 6500 individuals of European and African American ancestry in the NHLBI Exome Sequencing Project, indicating it is not a common benign variant in these populations. The R154H variant is a conservative amino acid substitution, which is not likely to impact secondary protein structure as these residues share similar properties. This substitution occurs at a position where amino acids with similar properties to Arginine are tolerated across species. Although, in silico analysis is inconsistent in its predictions as to whether or not the variant is damaging to the protein structure/function, when comparing wild type and R154H variant transfected cells, a decrease in the influx of calcium was observed in the mutant cells and those cells also showed significantly impaired amyloid beta clearance (Vingtdeux et al., 2014). Therefore, we interpret R154H as a likely pathogenic variant